The following is an entry in ClinVar:

NM_014846.4(WASHC5):c.864+9T>G

Gene: WASHC5 (WASH complex subunit 5; minus strand). Cytogenetic location: 8q24.13.
Variant type: single nucleotide variant.
Coding change: c.864+9T>G on transcript NM_014846.4 (MANE Select); 9 bases into the intron after coding-DNA position 864, T replaced by G.
Molecular consequence: intron variant.
Genome position (GRCh38, 1-based): chr8:125,076,339, A>C on the plus strand (T>G on the coding strand, the complement: WASHC5 is on the minus strand). VCF-style: chr8-125076339-A-C. GRCh37 (hg19) VCF-style: chr8-126088581-A-C.
Other names: c.420+9T>G (NM_001330609.2).
Identifiers: ClinVar variation 3756066 (VCV003756066.2).

ClinVar aggregate classification (germline): Uncertain significance (1 of 4 stars; one submission).

Conditions:
Ritscher-Schinzel syndrome. Also called: CRANIOCEREBELLOCARDIAC DYSPLASIA. Identifiers: Orphanet 7, MedGen C0796137, MONDO:0019078.
Hereditary spastic paraplegia 8 (SPG8). Also called: SPASTIC PARAPLEGIA 8, AUTOSOMAL DOMINANT. Identifiers: Orphanet 100989, MedGen C1863704, MONDO:0011339, OMIM 603563.

Submission:

Labcorp Genetics (formerly Invitae), Labcorp
Classification: Uncertain significance for Ritscher-Schinzel syndrome; Hereditary spastic paraplegia 8. Last evaluated: 2024-08-31. Review status: criteria provided, single submitter. Criteria: Invitae Variant Classification Sherloc (09022015). Collection method: clinical testing. Allele origin: germline.
Comment: This sequence change falls in intron 7 of the WASHC5 gene. It does not directly change the encoded amino acid sequence of the WASHC5 protein. This variant is not present in population databases (gnomAD no frequency). This variant has not been reported in the literature in individuals affected with WASHC5-related conditions. Algorithms developed to predict the effect of sequence changes on RNA splicing suggest that this variant may create or strengthen a splice site. In summary, the available evidence is currently insufficient to determine the role of this variant in disease. Therefore, it has been classified as a Variant of Uncertain Significance.